The following is an entry in ClinVar:

ClinVar aggregate classification (germline): Uncertain significance (0 of 4 stars; one submission).

Conditions:
GSDME-related disorder. Also called: GSDME-related condition.

gnomAD v4.1: 1 of 1,614,048 alleles (0.000062%); highest among the groups gnomAD compares: Non-Finnish European, 0.000085%; no homozygotes.

Submission:

PreventionGenetics, part of Exact Sciences
Classification: Uncertain significance for GSDME-related condition. Last evaluated: 2024-09-23. Review status: no assertion criteria provided. Collection method: clinical testing. Allele origin: germline.
Comment: The GSDME c.823A>C variant is predicted to result in the amino acid substitution p.Ile275Leu. To our knowledge, this variant has not been reported in the literature or in a large population database, indicating this variant is rare. At this time, the clinical significance of this variant is uncertain due to the absence of conclusive functional and genetic evidence.

NM_001127453.2(GSDME):c.823A>C (p.Ile275Leu)

Gene: GSDME (gasdermin E; minus strand). Cytogenetic location: 7p15.3.
Variant type: single nucleotide variant.
Coding change: c.823A>C on transcript NM_001127453.2 (MANE Select); coding-DNA position 823, A replaced by C.
Protein change: p.Ile275Leu; replaces isoleucine 275 with leucine.
Molecular consequence: missense variant.
Genome position (GRCh38, 1-based): chr7:24,710,263, T>G on the plus strand (A>C on the coding strand, the complement: GSDME is on the minus strand). VCF-style: chr7-24710263-T-G. GRCh37 (hg19) VCF-style: chr7-24749882-T-G.
Other names: c.331A>C, p.Ile111Leu (NM_001127454.2); c.823A>C, p.Ile275Leu (NM_004403.3); short protein forms I111L, I275L.
Identifiers: ClinVar variation 3345761 (VCV003345761.1).